The following is an entry in ClinVar:

NM_005861.4(STUB1):c.44C>T (p.Ala15Val)

Gene: STUB1 (STIP1 homology and U-box containing protein 1; plus strand). Cytogenetic location: 16p13.3.
Variant type: single nucleotide variant.
Coding change: c.44C>T on transcript NM_005861.4 (MANE Select); coding-DNA position 44, C replaced by T.
Protein change: p.Ala15Val; replaces alanine 15 with valine.
Molecular consequence: missense variant. On other transcripts: 5 prime UTR variant (1).
Genome position (GRCh38, 1-based): chr16:680,569, C>T. VCF-style: chr16-680569-C-T. GRCh37 (hg19) VCF-style: chr16-730569-C-T.
Other names: c.-262C>T (NM_001293197.2); short protein forms A15V.
Identifiers: ClinVar variation 1879317 (VCV001879317.34), dbSNP rs770617507, ClinGen allele CA7786510.

ClinVar aggregate classification (germline): Conflicting classifications of pathogenicity. Review status: criteria provided, conflicting classifications (1 of 4 stars). 3 submissions from 3 submitters: Uncertain significance (2); Likely benign (1). Last evaluated 2025-11-10.

Allele frequency attached by ClinVar (database versions not stated): gnomAD 0.00007; ExAC 0.00009; TOPMed 0.00012; gnomAD exomes 0.00005.
gnomAD v4.1: 92 of 1,379,380 alleles (0.0067%); highest among the groups gnomAD compares: Admixed American, 0.041%; no homozygotes.

Submissions (3):

Dasa
Classification: Likely benign. Last evaluated: 2025-11-10. Review status: criteria provided, single submitter. Criteria: DASA Assertion Criteria. Collection method: clinical testing. Allele origin: germline.
Comment: NM_005861.4(STUB1):c.44C>T (p.Ala15Val) is a missense variant that results in the substitution of alanine with valine. Multiple computational predictions suggest no deleterious effect on the gene or gene product. The variant is present at low frequency in population datasets. Based on the available data, this variant is classified as likely benign.

Labcorp Genetics (formerly Invitae), Labcorp
Classification: Uncertain significance. Last evaluated: 2025-09-05. Review status: criteria provided, single submitter. Criteria: Invitae Variant Classification Sherloc (09022015). Collection method: clinical testing. Allele origin: germline.
Comment: This sequence change replaces alanine, which is neutral and non-polar, with valine, which is neutral and non-polar, at codon 15 of the STUB1 protein (p.Ala15Val). This variant is present in population databases (rs770617507, gnomAD 0.02%). This variant has not been reported in the literature in individuals affected with STUB1-related conditions. ClinVar contains an entry for this variant (Variation ID: 1879317). Experimental studies and prediction algorithms are not available or were not evaluated, and the functional significance of this variant is currently unknown. In summary, the available evidence is currently insufficient to determine the role of this variant in disease. Therefore, it has been classified as a Variant of Uncertain Significance.

CeGaT Center for Human Genetics Tuebingen
Classification: Uncertain significance. Last evaluated: 2022-10-01. Review status: criteria provided, single submitter. Criteria: CeGaT Center For Human Genetics Tuebingen Variant Classification Criteria Version 2. Collection method: clinical testing. Allele origin: germline. Affected: yes. Observed: 1 variant allele.
Comment: STUB1: PM2:Supporting